The following is an entry in ClinVar:

ClinVar aggregate classification (germline): Pathogenic. Review status: reviewed by expert panel (3 of 4 stars). 9 submissions from 9 submitters: Pathogenic (1). 8 of the submissions do not count toward it. Last evaluated 2016-09-08.

Conditions:
Hereditary cancer-predisposing syndrome. Also called: Tumor predisposition; Neoplastic Syndromes, Hereditary; Hereditary Cancer Syndrome; Hereditary neoplastic syndrome. Identifiers: Orphanet 140162, MedGen C0027672, MeSH D009386, MONDO:0015356.
Hereditary breast ovarian cancer syndrome. Also called: Hereditary breast and ovarian cancer syndrome (HBOC); Hereditary breast and ovarian cancer syndrome; Hereditary breast and ovarian cancer; Hereditary breast and/or ovarian cancer syndrome; Breast and ovarian cancer; BRCA1- and BRCA2-Associated Hereditary Breast and Ovarian Cancer. Identifiers: Orphanet 145, MedGen C0677776, MeSH D061325, MONDO:0003582. Disease mechanism: loss of function.
Breast-ovarian cancer, familial, susceptibility to, 1 (BROVCA1). Also called: OVARIAN CANCER, SUSCEPTIBILITY TO; BRCA1 Hereditary Breast and Ovarian Cancer. Identifiers: Orphanet 145, MedGen C2676676, MONDO:0011450, OMIM 604370. Disease mechanism: loss of function.

Submissions (9):

Evidence-based Network for the Interpretation of Germline Mutant Alleles (ENIGMA)
Classification: Pathogenic for Breast-ovarian cancer, familial, susceptibility to, 1. Last evaluated: 2016-09-08. Review status: reviewed by expert panel. Criteria: ENIGMA BRCA1/2 Classification Criteria (2015). Collection method: curation. Allele origin: germline.
Comment: Variant allele predicted to encode a truncated non-functional protein.

Ambry Genetics
Classification: Pathogenic for Hereditary cancer-predisposing syndrome. Last evaluated: 2025-03-27. Review status: criteria provided, single submitter. Criteria: Ambry Variant Classification Scheme 2023. Collection method: clinical testing. Allele origin: germline. Not counted in ClinVar's aggregate classification.
Comment: The c.1088delA pathogenic mutation, located in coding exon 9 of the BRCA1 gene, results from a deletion of one nucleotide at nucleotide position 1088, causing a translational frameshift with a predicted alternate stop codon (p.N363Ifs*11). This alteration has been observed in individuals with personal and/or family history of breast and/or ovarian cancer (Montagna M et al. Cancer Res, 1996 Dec;56:5466-9; Azzollini J et al. Eur J Intern Med, 2016 Jul;32:65-71; Fernandes GC et al. Oncotarget, 2016 Dec;7:80465-80481; Rebbeck TR et al. Hum Mutat, 2018 05;39:593-620; Figlioli G et al. Cancers (Basel), 2021 Jan;13:). This alteration is also known as BRCA1 1207delA in the published literature. This variant is considered to be rare based on population cohorts in the Genome Aggregation Database (gnomAD). In addition to the clinical data presented in the literature, this alteration is expected to result in loss of function by premature protein truncation or nonsense-mediated mRNA decay. As such, this alteration is interpreted as a disease-causing mutation.

Color Diagnostics, LLC DBA Color Health
Classification: Pathogenic for Hereditary cancer-predisposing syndrome. Last evaluated: 2023-11-21. Review status: criteria provided, single submitter. Criteria: ACMG Guidelines, 2015. Collection method: clinical testing. Allele origin: germline. Not counted in ClinVar's aggregate classification.
Comment: This variant deletes 1 nucleotide in exon 10 of the BRCA1 gene, creating a frameshift and premature translation stop signal. This variant is expected to result in an absent or non-functional protein product. This variant has been reported in over twenty individuals affected with breast and/or ovarian cancer and in high-risk breast and ovarian cancer families (PMID: 8968102, 27062684, 27167672, 27741520, 29907814, 33573335). This variant has not been identified in the general population by the Genome Aggregation Database (gnomAD). Loss of BRCA1 function is a known mechanism of disease. Based on the available evidence, this variant is classified as Pathogenic.

Labcorp Genetics (formerly Invitae), Labcorp
Classification: Pathogenic for Hereditary breast ovarian cancer syndrome. Last evaluated: 2022-08-14. Review status: criteria provided, single submitter. Criteria: Invitae Variant Classification Sherloc (09022015). Collection method: clinical testing. Allele origin: germline. Not counted in ClinVar's aggregate classification.
Comment: For these reasons, this variant has been classified as Pathogenic. ClinVar contains an entry for this variant (Variation ID: 54124). This premature translational stop signal has been observed in individual(s) with personal and/or family history of breast and/or ovarian cancer (PMID: 8968102, 27062684, 27741520, 29907814). This variant is not present in population databases (gnomAD no frequency). This sequence change creates a premature translational stop signal (p.Asn363Ilefs*11) in the BRCA1 gene. It is expected to result in an absent or disrupted protein product. Loss-of-function variants in BRCA1 are known to be pathogenic (PMID: 20104584).

Mendelics
Classification: Pathogenic for Hereditary breast and ovarian cancer syndrome. Last evaluated: 2018-07-02. Review status: criteria provided, single submitter. Criteria: Mendelics Assertion Criteria 2017. Collection method: clinical testing. Allele origin: unknown. Not counted in ClinVar's aggregate classification.

Consortium of Investigators of Modifiers of BRCA1/2 (CIMBA), c/o University of Cambridge
Classification: Pathogenic for Breast-ovarian cancer, familial, susceptibility to, 1. Last evaluated: 2015-10-02. Review status: criteria provided, single submitter. Criteria: CIMBA Mutation Classification guidelines May 2016. Collection method: clinical testing. Allele origin: germline. Not counted in ClinVar's aggregate classification.

Counsyl
Classification: Pathogenic for Breast-ovarian cancer, familial, susceptibility to, 1. Last evaluated: 2018-04-05. Review status: no assertion criteria provided. Collection method: clinical testing. Allele origin: unknown. Not counted in ClinVar's aggregate classification.

Research Molecular Genetics Laboratory, Women's College Hospital, University of Toronto
Classification: Pathogenic for Hereditary breast ovarian cancer syndrome. Last evaluated: 2014-01-31. Review status: no assertion criteria provided. Collection method: research. Allele origin: germline. Affected: yes. Study: The Canadian Open Genetics Repository (COGR). Not counted in ClinVar's aggregate classification.

Breast Cancer Information Core (BIC) (BRCA1)
Classification: Pathogenic for Breast-ovarian cancer, familial 1. Last evaluated: 2002-05-29. Review status: no assertion criteria provided. Collection method: clinical testing. Allele origin: germline. Affected: yes. Observed: 11 variant alleles. Not counted in ClinVar's aggregate classification.

Literature cited by the submitters: PubMed 27062684 (cited by 4 submitters); PubMed 27741520 (cited by 3 submitters); PubMed 29446198 (cited by Ambry Genetics); PubMed 33573335 (cited by Ambry Genetics and Color Diagnostics, LLC DBA Color Health); PubMed 8968102 (cited by 4 submitters); PubMed 27167672 (cited by Color Diagnostics, LLC DBA Color Health and Counsyl); PubMed 29907814 (cited by Color Diagnostics, LLC DBA Color Health and Labcorp Genetics (formerly Invitae), Labcorp); PubMed 20104584 (cited by Labcorp Genetics (formerly Invitae), Labcorp).

NM_007294.4(BRCA1):c.1088del (p.Asn363fs)

Gene: BRCA1 (BRCA1 DNA repair associated; minus strand). Cytogenetic location: 17q21.31.
Variant type: Deletion.
Coding change: c.1088del on transcript NM_007294.4 (MANE Select); coding-DNA position 1088, one base deleted (A; older notation c.1088delA).
Protein change: p.Asn363fs; shifts the reading frame from asparagine 363.
Molecular consequence: frameshift variant. On other transcripts: intron variant (137).
Genome position (GRCh38, 1-based): chr17:43,094,443, T deleted on the plus strand (A on the coding strand, the reverse complement: BRCA1 is on the minus strand); the first of 2 consecutive T bases (chr17:43,094,443-43,094,444); deleting either gives the same sequence. VCF-style (leftmost placement, unchanged base first): chr17-43094442-AT-A. GRCh37 (hg19) VCF-style: chr17-41246459-AT-A.
Other names: 1207delA; c.1088delA (NM_007294.3); c.875del, p.Asn292fs (NM_001407571.1, NM_001407853.1, NM_001407894.1 and 9 more transcripts); c.1088del, p.Asn363fs (NM_001407581.1, NM_001407582.1, NM_001407583.1 and 30 more transcripts); c.1085del, p.Asn362fs (NM_001407587.1, NM_001407590.1, NM_001407591.1 and 22 more transcripts); c.1079del, p.Asn360fs (NM_001407646.1, NM_001407647.1); c.965del, p.Asn322fs (NM_001407648.1, NM_001407664.1, NM_001407665.1 and 19 more transcripts); c.962del, p.Asn321fs (NM_001407649.1, NM_001407670.1, NM_001407671.1 and 11 more transcripts); and 42 more; short protein forms N363fs, N316fs, N295fs, N360fs, N235fs, N252fs, N321fs, N322fs.
Identifiers: ClinVar variation 54124 (VCV000054124.19), dbSNP rs80357954, ClinGen allele CA000730.